The following is an entry in ClinVar:

ClinVar aggregate classification (germline): Likely pathogenic (1 of 4 stars; one submission).

Conditions:
Alport syndrome. Also called: Hemorrhagic familial nephritis; Hemorrhagic hereditary nephritis; Congenital hereditary hematuria. Identifiers: Orphanet 63, MedGen C1567741, MONDO:0018965.

gnomAD v4.1: 1 of 1,613,948 alleles (0.000062%); no homozygotes.

Submission:

Natera, Inc.
Classification: Likely pathogenic for Alport syndrome. Last evaluated: 2025-09-15. Review status: criteria provided, single submitter. Criteria: Natera Variant Classification Schema (03/2026). Collection method: clinical testing. Allele origin: germline.
Comment: The c.3239G>A variant in COL4A3 is a missense variant predicted to cause substitution of glycine to glutamic acid at amino acid 1080. This variant is rare in the general population with a frequency below the threshold expected for the associated phenotype(s). This variant is located in a functionally critical region of the protein. A different variant at the same position has been determined to be Pathogenic or Likely Pathogenic. Computational prediction algorithms indicate this variant is likely to affect gene or protein function. Given the available evidence, this variant is classified as Likely Pathogenic.

NM_000091.5(COL4A3):c.3239G>A (p.Gly1080Glu)

Genes: COL4A3 (collagen type IV alpha 3 chain; plus strand), MFF-DT (MFF divergent transcript; minus strand). Cytogenetic location: 2q36.3.
Variant type: single nucleotide variant.
Coding change: c.3239G>A on transcript NM_000091.5 (MANE Select); coding-DNA position 3239, G replaced by A.
Protein change: p.Gly1080Glu; replaces glycine 1080 with glutamic acid.
Molecular consequence: missense variant.
Genome position (GRCh38, 1-based): chr2:227,293,219, G>A. VCF-style: chr2-227293219-G-A. GRCh37 (hg19) VCF-style: chr2-228157935-G-A.
Other names: short protein forms G1080E.
Identifiers: ClinVar variation 4817242 (VCV004817242.1).
Genomic context (GRCh38, chr2:227,293,219, plus strand): 5'-GAGAATTTTAAAGGTATTTGACTACATTTAAGGGGGATCCAGGACTGCCGGGTGATATGG[G>A]AAAGAAAGGAGAAATGGGGCAACCTGGCCCACCTGGACATTTGGGGCCTGCTGGACCTGA-3'
Protein context (NP_000082.2, residues 1070-1090): TGDPGLPGDM[Gly1080Glu]KKGEMGQPGP